The following is an entry in ClinVar:

NM_001478.5(B4GALNT1):c.*2G>A

Gene: B4GALNT1 (beta-1,4-N-acetyl-galactosaminyltransferase 1; minus strand). Cytogenetic location: 12q13.3.
Variant type: single nucleotide variant.
Coding change: c.*2G>A on transcript NM_001478.5 (MANE Select); 2 bases downstream of the stop codon, G replaced by A.
Molecular consequence: 3 prime UTR variant.
Genome position (GRCh38, 1-based): chr12:57,626,742, C>T on the plus strand (G>A on the coding strand, the complement: B4GALNT1 is on the minus strand). VCF-style: chr12-57626742-C-T. GRCh37 (hg19) VCF-style: chr12-58020525-C-T.
Other names: c.*2G>A (NM_001276468.2).
Identifiers: ClinVar variation 387791 (VCV000387791.5), dbSNP rs141524511, ClinGen allele CA6655398.
Genomic context (GRCh38, chr12:57,626,742, plus strand): 5'-AAATTCCTGGCAGGGACAAGGAGGCAGGCCCAGCCTGACAGTCAGAAATCCCCAGCGGGC[C>T]ATCACTGGGAGGTCATGCACTGCAGCCGGTGTTTGAAGAAGAGCAGCCGGTGTTTGGCCA-3'

ClinVar aggregate classification (germline): Benign. Review status: criteria provided, multiple submitters, no conflicts (2 of 4 stars). 4 submissions from 4 submitters: Benign (3). 1 of the submissions does not count toward it. Last evaluated 2019-12-02.

Conditions:
B4GALNT1-related disorder. Also called: B4GALNT1-related condition.

Allele frequency attached by ClinVar (database versions not stated): gnomAD exomes 0.00117 and 0.00296; gnomAD 0.01070 and 0.01141; ESP Exome Variant Server 0.01284; 1000 Genomes Project 0.01258; 1000 Genomes Project 30x 0.01437; ExAC 0.00363; TOPMed 0.01246.

Submissions (4):

Mayo Clinic Laboratories, Mayo Clinic
Classification: Benign. Last evaluated: 2019-12-02. Review status: criteria provided, single submitter. Criteria: ACMG Guidelines, 2015. Collection method: clinical testing. Allele origin: germline. Observed: 7 variant alleles.

GeneDx
Classification: Benign. Last evaluated: 2016-11-18. Review status: criteria provided, single submitter. Criteria: GeneDx Variant Classification (06012015). Collection method: clinical testing. Allele origin: germline. Affected: yes.
Comment: This variant is considered likely benign or benign based on one or more of the following criteria: it is a conservative change, it occurs at a poorly conserved position in the protein, it is predicted to be benign by multiple in silico algorithms, and/or has population frequency not consistent with disease.

Breakthrough Genomics
Classification: Benign. Review status: criteria provided, single submitter. Criteria: ACMG Guidelines, 2015. Collection method: not provided. Allele origin: germline. Inheritance: Autosomal recessive inheritance. Affected: yes.

PreventionGenetics, part of Exact Sciences
Classification: Benign for B4GALNT1-related condition. Last evaluated: 2019-05-17. Review status: no assertion criteria provided. Collection method: clinical testing. Allele origin: germline. Not counted in ClinVar's aggregate classification.
Comment: This variant is classified as benign based on ACMG/AMP sequence variant interpretation guidelines (Richards et al. 2015 PMID: 25741868, with internal and published modifications).